The following is an entry in ClinVar:

NM_014844.5(TECPR2):c.1395del (p.Lys466fs)

Gene: TECPR2 (tectonin beta-propeller repeat containing 2; plus strand). Cytogenetic location: 14q32.31.
Variant type: Deletion.
Coding change: c.1395del on transcript NM_014844.5 (MANE Select); coding-DNA position 1395, one base deleted (G; older notation c.1395delG).
Protein change: p.Lys466fs; shifts the reading frame from lysine 466.
Molecular consequence: frameshift variant.
Genome position (GRCh38, 1-based): chr14:102,432,106, G deleted; the last of 2 consecutive G bases (chr14:102,432,105-102,432,106); deleting either gives the same sequence. VCF-style (leftmost placement, unchanged base first): chr14-102432104-AG-A. GRCh37 (hg19) VCF-style: chr14-102898441-AG-A.
Other names: c.1395del, p.Lys466fs (NM_001172631.3); short protein forms K466fs.
Identifiers: ClinVar variation 4815740 (VCV004815740.1).

ClinVar aggregate classification (germline): Likely pathogenic (1 of 4 stars; one submission).

Conditions:
Hereditary spastic paraplegia 49 (HSAN9). Also called: TECPR2-Related Hereditary Sensory and Autonomic Neuropathy with Intellectual Disability; Spastic paraplegia 49, autosomal recessive; NEUROPATHY, HEREDITARY SENSORY AND AUTONOMIC, TYPE IX, WITH DEVELOPMENTAL DELAY. Identifiers: Orphanet 320385, MedGen C5190860, MONDO:0014016, OMIM 615031.

Submission:

Natera, Inc.
Classification: Likely pathogenic for Autosomal recessive spastic paraplegia type 49. Last evaluated: 2025-06-11. Review status: criteria provided, single submitter. Criteria: Natera Variant Classification Schema (03/2026). Collection method: clinical testing. Allele origin: germline.
Comment: The c.1395del variant in TECPR2 is a frameshift variant predicted to shift the reading frame beginning at codon 466 and leads to a stop codon 35 codons downstream. This variant is expected to result in nonsense mediated decay, truncation, or a dysfunctional protein product. This variant is rare in the general population with a frequency below the threshold expected for the associated phenotype(s). Given the available evidence, this variant is classified as Likely Pathogenic.